The following is an entry in ClinVar:

NM_138967.4(SCAMP5):c.40T>G (p.Phe14Val)

Gene: SCAMP5 (secretory carrier membrane protein 5; plus strand). Cytogenetic location: 15q24.2.
Variant type: single nucleotide variant.
Coding change: c.40T>G on transcript NM_138967.4 (MANE Select); coding-DNA position 40, T replaced by G.
Protein change: p.Phe14Val; replaces phenylalanine 14 with valine.
Molecular consequence: missense variant. On other transcripts: non-coding transcript variant (1).
Genome position (GRCh38, 1-based): chr15:75,012,709, T>G. VCF-style: chr15-75012709-T-G. GRCh37 (hg19) VCF-style: chr15-75305050-T-G.
Other names: c.40T>G, p.Phe14Val (NM_001178111.2, NM_001178112.2); short protein forms F14V.
Identifiers: ClinVar variation 2578303 (VCV002578303.2), dbSNP rs2542633302, ClinGen allele CA393434771.

ClinVar aggregate classification (germline): Uncertain significance (1 of 4 stars; one submission).

Submission:

GeneDx
Classification: Uncertain significance. Last evaluated: 2024-11-10. Review status: criteria provided, single submitter. Criteria: GeneDx Variant Classification Process June 2021. Collection method: clinical testing. Allele origin: germline. Affected: yes.
Comment: Not observed at significant frequency in large population cohorts (gnomAD); In silico analysis supports that this missense variant has a deleterious effect on protein structure/function; Has not been previously published as pathogenic or benign to our knowledge